The following is an entry in ClinVar:

NM_032888.4(COL27A1):c.5281C>T (p.Gln1761Ter)

Gene: COL27A1 (collagen type XXVII alpha 1 chain; plus strand). Cytogenetic location: 9q32.
Variant type: single nucleotide variant.
Coding change: c.5281C>T on transcript NM_032888.4 (MANE Select); coding-DNA position 5281, C replaced by T.
Protein change: p.Gln1761Ter; replaces glutamine 1761 with a stop codon.
Molecular consequence: nonsense.
Genome position (GRCh38, 1-based): chr9:114,309,323, C>T. VCF-style: chr9-114309323-C-T. GRCh37 (hg19) VCF-style: chr9-117071603-C-T.
Other names: short protein forms Q1761*.
Identifiers: ClinVar variation 2828191 (VCV002828191.3), dbSNP rs2490418448, ClinGen allele CA374596949.

ClinVar aggregate classification (germline): Pathogenic (1 of 4 stars; one submission).

Submission:

Labcorp Genetics (formerly Invitae), Labcorp
Classification: Pathogenic. Last evaluated: 2023-11-20. Review status: criteria provided, single submitter. Criteria: Invitae Variant Classification Sherloc (09022015). Collection method: clinical testing. Allele origin: germline.
Comment: This sequence change creates a premature translational stop signal (p.Gln1761*) in the COL27A1 gene. It is expected to result in an absent or disrupted protein product. Loss-of-function variants in COL27A1 are known to be pathogenic (PMID: 24986830, 28276056). This variant is not present in population databases (gnomAD no frequency). This variant has not been reported in the literature in individuals affected with COL27A1-related conditions. For these reasons, this variant has been classified as Pathogenic.

Literature cited by the submitters: PubMed 24986830; PubMed 28276056.